The following is an entry in ClinVar:

GRCh38/hg38 10q26.3(chr10:133440535-133558988)x3

Genes: CYP2E1 (cytochrome P450 family 2 subfamily E member 1; plus strand), SCART1 (scavenger receptor family member expressed on T cells 1; plus strand), SYCE1 (synaptonemal complex central element protein 1; minus strand), LOC110599585 (CYP2E1 5' regulatory region; plus strand), LOC126861107 (BRD4-independent group 4 enhancer GRCh37_chr10:135344892-135346091; plus strand) and 5 more. Cytogenetic location: 10q26.3.
Variant type: copy number gain.
Change: copy number 3 (three copies instead of two) of chr10:133,440,535-133,558,988 (118.5 kb, GRCh38 coordinates, 1-based), cytogenetic band 10q26.3.
Identifiers: ClinVar variation 57391 (VCV000057391.1).

ClinVar aggregate classification (germline): Benign (1 of 4 stars; one submission).

Submission:

ISCA site 4
Classification: Benign. Last evaluated: 2011-08-12. Review status: criteria provided, single submitter. Criteria: Kaminsky et al. (Genet Med. 2011). Collection method: clinical testing. Allele origin: unknown. Affected: yes. Observed: 2 variant alleles.
Comment: Copy number variation identified through the course of routine clinical cytogenomic testing in postnatal populations. Clinical assertions have been curated as described in Kaminsky et al. 2011.